The following is an entry in ClinVar:

ClinVar aggregate classification (germline): Uncertain significance. Review status: criteria provided, multiple submitters, no conflicts (2 of 4 stars). 2 submissions from 2 submitters: Uncertain significance (2). Last evaluated 2022-05-11.

Conditions:
Inborn genetic diseases. Identifiers: MedGen C0950123, MeSH D030342.

Allele frequency attached by ClinVar (database versions not stated): gnomAD 0.00001.
gnomAD v4.1: 2 of 1,611,250 alleles (0.00012%); highest among the groups gnomAD compares: Non-Finnish European, 0.00017%; no homozygotes.

Submissions (2):

Ambry Genetics
Classification: Uncertain significance for Inborn genetic diseases. Last evaluated: 2022-05-11. Review status: criteria provided, single submitter. Criteria: Ambry Variant Classification Scheme 2023. Collection method: clinical testing. Allele origin: germline.

Labcorp Genetics (formerly Invitae), Labcorp
Classification: Uncertain significance. Last evaluated: 2022-05-08. Review status: criteria provided, single submitter. Criteria: Invitae Variant Classification Sherloc (09022015). Collection method: clinical testing. Allele origin: germline.
Comment: In summary, the available evidence is currently insufficient to determine the role of this variant in disease. Therefore, it has been classified as a Variant of Uncertain Significance. Algorithms developed to predict the effect of missense changes on protein structure and function output the following: SIFT: "Tolerated"; PolyPhen-2: "Benign"; Align-GVGD: "Class C0". The leucine amino acid residue is found in multiple mammalian species, which suggests that this missense change does not adversely affect protein function. This variant has not been reported in the literature in individuals affected with TTLL5-related conditions. This variant is present in population databases (no rsID available, gnomAD 0.007%). This sequence change replaces isoleucine, which is neutral and non-polar, with leucine, which is neutral and non-polar, at codon 1007 of the TTLL5 protein (p.Ile1007Leu).

NM_015072.5(TTLL5):c.3019A>T (p.Ile1007Leu)

Gene: TTLL5 (tubulin tyrosine ligase like 5; plus strand). Cytogenetic location: 14q24.3.
Variant type: single nucleotide variant.
Coding change: c.3019A>T on transcript NM_015072.5 (MANE Select); coding-DNA position 3019, A replaced by T.
Protein change: p.Ile1007Leu; replaces isoleucine 1007 with leucine.
Molecular consequence: missense variant.
Genome position (GRCh38, 1-based): chr14:75,792,948, A>T. VCF-style: chr14-75792948-A-T. GRCh37 (hg19) VCF-style: chr14-76259291-A-T.
Other names: short protein forms I1007L.
Identifiers: ClinVar variation 1951009 (VCV001951009.6), dbSNP rs753792772, ClinGen allele CA390473181.
Genomic context (GRCh38, chr14:75,792,948, plus strand): 5'-GAGTGAAAACTTTTCTCCGTTTTAGCAGGATCGTGCTATCTAAACAAGCATCATTCAGGA[A>T]TAGCCAAAACACAAAAAGAGGGAGAAGATGCTTCTTTATATAGCAAACGGTACAACCAAA-3'
Protein context (NP_055887.3, residues 997-1017): SCYLNKHHSG[Ile1007Leu]AKTQKEGEDA